The following is an entry in ClinVar:

ClinVar aggregate classification (germline): Conflicting classifications of pathogenicity. Review status: criteria provided, conflicting classifications (1 of 4 stars). 3 submissions from 3 submitters: Pathogenic (1); Likely pathogenic (1); Uncertain significance (1). Last evaluated 2023-09-16.

Conditions:
Progressive sclerosing poliodystrophy (MTDPS4A). Also called: NEURONAL DEGENERATION OF CHILDHOOD WITH LIVER DISEASE, PROGRESSIVE; ALPERS PROGRESSIVE INFANTILE POLIODYSTROPHY; Alpers-Huttenlocher Syndrome (AHS); Mitochondrial DNA depletion syndrome 4A (Alpers type); Mitochondrial DNA Depletion Syndrome 4A; Alpers Syndrome. Identifiers: Orphanet 726, MedGen C0205710, MONDO:0008758, OMIM 203700.

Allele frequency attached by ClinVar (database versions not stated): gnomAD exomes below 0.00001.
gnomAD v4.1: 2 of 1,613,400 alleles (0.00012%); highest among the groups gnomAD compares: Non-Finnish European, 0.000085%; no homozygotes.

Submissions (3):

Baylor Genetics
Classification: Likely pathogenic for Progressive sclerosing poliodystrophy. Last evaluated: 2023-09-16. Review status: criteria provided, single submitter. Criteria: ACMG Guidelines, 2015. Collection method: clinical testing. Allele origin: unknown.

Labcorp Genetics (formerly Invitae), Labcorp
Classification: Uncertain significance for Progressive sclerosing poliodystrophy. Last evaluated: 2022-09-21. Review status: criteria provided, single submitter. Criteria: Invitae Variant Classification Sherloc (09022015). Collection method: clinical testing. Allele origin: germline.
Comment: This sequence change replaces proline, which is neutral and non-polar, with threonine, which is neutral and polar, at codon 765 of the POLG protein (p.Pro765Thr). This variant is present in population databases (no rsID available, gnomAD no frequency). This missense change has been observed in individual(s) with POLG-related conditions (PMID: 21880868, 22805437). ClinVar contains an entry for this variant (Variation ID: 458703). Advanced modeling of protein sequence and biophysical properties (such as structural, functional, and spatial information, amino acid conservation, physicochemical variation, residue mobility, and thermodynamic stability) performed at Invitae indicates that this missense variant is expected to disrupt POLG protein function. This variant disrupts the p.Pro765 amino acid residue in POLG. Other variant(s) that disrupt this residue have been observed in individuals with POLG-related conditions (PMID: 30818899), which suggests that this may be a clinically significant amino acid residue. In summary, the available evidence is currently insufficient to determine the role of this variant in disease. Therefore, it has been classified as a Variant of Uncertain Significance.

Wong Mito Lab, Molecular and Human Genetics, Baylor College of Medicine
Classification: Pathogenic for Progressive sclerosing poliodystrophy. Last evaluated: 2018-10-01. Review status: criteria provided, single submitter. Criteria: ACMG Guidelines, 2015. Collection method: clinical testing. Allele origin: germline.
Comment: The NM_002693.2:c.2293C>A (NP_002684.1:p.Pro765Thr) [GRCH38: NC_000015.10:g.89322875G>T] variant in POLG gene is interpretated to be a Pathogenic based on ACMG guidelines (PMID: 25741868). This variant meets the following evidence codes reported in the ACMG-guideline. PS1:This variation causes same amino-acid change as an established pathogenic variant. PM2:This variant is absent in key population databases. PM3:Detected in trans with a pathogenic variant for Mitochondrial DNA depletion syndrome 4A (Alpers type) which is a recessive disorder. PP1:This variant is co-segregated with Mitochondrial DNA depletion syndrome 4A (Alpers type) in multiple affected family members. PP2:This is a missense variant in POLG with a low rate of benign and high rate of pathogenic missense variations. PP3:Computational evidence/predictors indicate the variant has deleterious effect on POLG structure, function, or protein-protein interaction. PP4:Patient's phenotype or family history is highly specific for POLG. Based on the evidence criteria codes applied, the variant is suggested to be Pathogenic.

Literature cited by the submitters: PubMed 21880868 (cited by Labcorp Genetics (formerly Invitae), Labcorp); PubMed 22805437 (cited by Labcorp Genetics (formerly Invitae), Labcorp); PubMed 30818899 (cited by Labcorp Genetics (formerly Invitae), Labcorp).

NM_002693.3(POLG):c.2293C>A (p.Pro765Thr)

Gene: POLG (DNA polymerase gamma, catalytic subunit; minus strand). Cytogenetic location: 15q26.1.
Variant type: single nucleotide variant.
Coding change: c.2293C>A on transcript NM_002693.3 (MANE Select); coding-DNA position 2293, C replaced by A.
Protein change: p.Pro765Thr; replaces proline 765 with threonine.
Molecular consequence: missense variant.
Genome position (GRCh38, 1-based): chr15:89,322,875, G>T on the plus strand (C>A on the coding strand, the complement: POLG is on the minus strand). VCF-style: chr15-89322875-G-T. GRCh37 (hg19) VCF-style: chr15-89866106-G-T.
Other names: c.2293C>A, p.Pro765Thr (NM_001126131.2); short protein forms P765T.
Identifiers: ClinVar variation 458703 (VCV000458703.4), dbSNP rs1003442806, ClinGen allele CA10602222.